The following is an entry in ClinVar:

NM_000435.3(NOTCH3):c.6774C>T (p.Pro2258=)

Gene: NOTCH3 (notch receptor 3; minus strand). Cytogenetic location: 19p13.12.
Variant type: single nucleotide variant.
Coding change: c.6774C>T on transcript NM_000435.3 (MANE Select); coding-DNA position 6774, C replaced by T.
Protein change: p.Pro2258=; no amino-acid change (proline 2258 retained).
Molecular consequence: synonymous variant.
Genome position (GRCh38, 1-based): chr19:15,160,854, G>A on the plus strand (C>T on the coding strand, the complement: NOTCH3 is on the minus strand). VCF-style: chr19-15160854-G-A. GRCh37 (hg19) VCF-style: chr19-15271665-G-A.
Identifiers: ClinVar variation 889492 (VCV000889492.25), dbSNP rs775043966, ClinGen allele CA9262304.

ClinVar aggregate classification (germline): Likely benign. Review status: criteria provided, multiple submitters, no conflicts (2 of 4 stars). 2 submissions from 2 submitters: Likely benign (2). Last evaluated 2024-03-01.

Conditions:
Cerebral arteriopathy, autosomal dominant, with subcortical infarcts and leukoencephalopathy, type 1 (CADASIL1). Also called: CADASIL 1; DEMENTIA, HEREDITARY MULTIINFARCT TYPE; CASIL; Cerebral arteriopathy with subcortical infarcts and leukoencephalopathy 1. Identifiers: Orphanet 136, MedGen C4551768, MONDO:0000914, OMIM 125310.

Allele frequency attached by ClinVar (database versions not stated): gnomAD 0.00001; gnomAD exomes 0.00001; ExAC 0.00002; TOPMed 0.00002.
gnomAD v4.1: 76 of 1,613,942 alleles (0.0047%); highest among the groups gnomAD compares: Non-Finnish European, 0.0064%; no homozygotes.

Submissions (2):

CeGaT Center for Human Genetics Tuebingen
Classification: Likely benign. Last evaluated: 2024-03-01. Review status: criteria provided, single submitter. Criteria: CeGaT Center For Human Genetics Tuebingen Variant Classification Criteria Version 2. Collection method: clinical testing. Allele origin: germline. Affected: yes. Observed: 1 variant allele.
Comment: NOTCH3: BP4, BP7

Illumina Laboratory Services, Illumina
Classification: Likely benign for Cerebral arteriopathy, autosomal dominant, with subcortical infarcts and leukoencephalopathy, type 1. Last evaluated: 2018-01-13. Review status: criteria provided, single submitter. Criteria: ICSL Variant Classification Criteria 13 December 2019. Collection method: clinical testing. Allele origin: germline.
Comment: This variant was observed in the ICSL laboratory as part of a predisposition screen in an ostensibly healthy population. It had not been previously curated by ICSL or reported in the Human Gene Mutation Database (HGMD: prior to June 1st, 2018), and was therefore a candidate for classification through an automated scoring system. Utilizing variant allele frequency, disease prevalence and penetrance estimates, and inheritance mode, an automated score was calculated to assess if this variant is too frequent to cause the disease. Based on the score and internal cut-off values, a variant classified as likely benign is not then subjected to further curation. The score for this variant resulted in a classification of likely benign for this disease.